The following is an entry in ClinVar:

NM_182914.3(SYNE2):c.14117T>C (p.Leu4706Pro)

Gene: SYNE2 (spectrin repeat containing nuclear envelope protein 2; plus strand). Cytogenetic location: 14q23.2.
Variant type: single nucleotide variant.
Coding change: c.14117T>C on transcript NM_182914.3 (MANE Select); coding-DNA position 14117, T replaced by C.
Protein change: p.Leu4706Pro; replaces leucine 4706 with proline.
Molecular consequence: missense variant.
Genome position (GRCh38, 1-based): chr14:64,129,879, T>C. VCF-style: chr14-64129879-T-C. GRCh37 (hg19) VCF-style: chr14-64596597-T-C.
Other names: c.14117T>C, p.Leu4706Pro (NM_015180.6); short protein forms L4706P.
Identifiers: ClinVar variation 959574 (VCV000959574.1), dbSNP rs2097995502, ClinGen allele CA389978343.
Genomic context (GRCh38, chr14:64,129,879, plus strand): 5'-AGAGCCGAGTGGCCAAACTAAGAGATGAAGGGGAGAGGCTTCATTTACCTTATGCTTTAC[T>C]CCAGGAGGTTTACAAATTAGAGGTATGCCTGAGCAGAAAACATTGACTCAGCACTGTGAT-3'
Protein context (NP_878918.2, residues 4696-4716): GERLHLPYAL[Leu4706Pro]QEVYKLEDVL

ClinVar aggregate classification (germline): Uncertain significance (1 of 4 stars; one submission).

Conditions:
Emery-Dreifuss muscular dystrophy 5, autosomal dominant (EDMD5). Also called: EMERY-DREIFUSS MUSCULAR DYSTROPHY 5. Identifiers: Orphanet 261, MedGen C2751805, MONDO:0013072, OMIM 612999.

Allele frequency attached by ClinVar (database versions not stated): gnomAD exomes 0.00001.
gnomAD v4.1: 5 of 1,614,156 alleles (0.00031%); highest among the groups gnomAD compares: African/African-American, 0.0027%; no homozygotes.

Submission:

Labcorp Genetics (formerly Invitae), Labcorp
Classification: Uncertain significance for Emery-Dreifuss muscular dystrophy 5, autosomal dominant. Last evaluated: 2019-08-27. Review status: criteria provided, single submitter. Criteria: Invitae Variant Classification Sherloc (09022015). Collection method: clinical testing. Allele origin: germline.
Comment: This sequence change replaces leucine with proline at codon 4706 of the SYNE2 protein (p.Leu4706Pro). The leucine residue is weakly conserved and there is a moderate physicochemical difference between leucine and proline. This variant is not present in population databases (ExAC no frequency). This variant has not been reported in the literature in individuals with SYNE2-related conditions. Algorithms developed to predict the effect of missense changes on protein structure and function are either unavailable or do not agree on the potential impact of this missense change (SIFT: "Deleterious"; PolyPhen-2: "Probably Damaging"; Align-GVGD: "Class C0"). In summary, the available evidence is currently insufficient to determine the role of this variant in disease. Therefore, it has been classified as a Variant of Uncertain Significance.